The following is an entry in ClinVar:

ClinVar aggregate classification (germline): Uncertain significance (1 of 4 stars; one submission).

Conditions:
MYO5B-related disorder. Also called: MYO5B-related condition.

Submission:

PreventionGenetics, part of Exact Sciences
Classification: Uncertain significance for MYO5B-related condition. Last evaluated: 2025-09-12. Review status: criteria provided, single submitter. Criteria: ACMG Guidelines, 2015. Collection method: clinical testing. Allele origin: germline.
Comment: The MYO5B c.2323_2324delinsCC variant is predicted to result in an in-frame deletion and insertion. To our knowledge, this variant has not been reported in the literature or in a large population database (gnomAD), indicating this variant is rare. At this time, the clinical significance of this variant is uncertain due to the absence of conclusive functional and genetic evidence.

NM_001080467.3(MYO5B):c.2323_2324delinsCC (p.Val775Pro)

Gene: MYO5B (myosin VB; minus strand). Cytogenetic location: 18q21.1.
Variant type: Indel.
Coding change: c.2323_2324delinsCC on transcript NM_001080467.3 (MANE Select); coding-DNA positions 2323 to 2324, GT replaced by CC.
Protein change: p.Val775Pro; replaces valine 775 with proline.
Molecular consequence: missense variant.
Genome position (GRCh38, 1-based): chr18:49,906,509-49,906,510, AC replaced by GG on the plus strand (GT replaced by CC on the coding strand, the reverse complement: MYO5B is on the minus strand). VCF-style: chr18-49906509-AC-GG. GRCh37 (hg19) VCF-style: chr18-47432879-AC-GG.
Other names: short protein forms V775P.
Identifiers: ClinVar variation 4991152 (VCV004991152.1).